The following is an entry in ClinVar:

ClinVar aggregate classification (germline): Pathogenic (1 of 4 stars; one submission).

Submission:

Labcorp Genetics (formerly Invitae), Labcorp
Classification: Pathogenic. Last evaluated: 2023-12-06. Review status: criteria provided, single submitter. Criteria: Invitae Variant Classification Sherloc (09022015). Collection method: clinical testing. Allele origin: germline.
Comment: This variant is a gross deletion of the genomic region encompassing exon(s) 5-8 of the ECHS1 gene, which includes the termination codon. This deletion extends beyond the assayed region for this gene and therefore may encompass additional genes. While this deletion is not anticipated to lead to nonsense mediated decay, it is expected to alter mRNA translation or result in a truncated protein product. This variant has not been reported in the literature in individuals affected with ECHS1-related conditions. This variant disrupts a region of the ECHS1 protein in which other variant(s) (p.Lys273Glu) have been determined to be pathogenic (Invitae). This suggests that this is a clinically significant region of the protein, and that variants that disrupt it are likely to be disease-causing. For these reasons, this variant has been classified as Pathogenic.

NC_000010.10:g.(?_135176372)_(135180517_?)del

Gene: ECHS1 (enoyl-CoA hydratase, short chain 1; minus strand). Cytogenetic location: 10q26.3.
Variant type: Deletion.
Identifiers: ClinVar variation 1511772 (VCV001511772.7).